The following is an entry in ClinVar:

ClinVar aggregate classification (germline): Uncertain significance. Review status: criteria provided, multiple submitters, no conflicts (2 of 4 stars). 4 submissions from 4 submitters: Uncertain significance (4). Last evaluated 2025-11-01.

Conditions:
Hereditary nonpolyposis colorectal neoplasms. Identifiers: MedGen C0009405, MeSH D003123.
Hereditary cancer-predisposing syndrome. Also called: Hereditary neoplastic syndrome; Neoplastic Syndromes, Hereditary; Tumor predisposition; Hereditary Cancer Syndrome. Identifiers: Orphanet 140162, MedGen C0027672, MeSH D009386, MONDO:0015356.
Lynch syndrome. Identifiers: Orphanet 144, MedGen C4552100, MONDO:0005835. Disease mechanism: loss of function.

Allele frequency attached by ClinVar (database versions not stated): gnomAD exomes 0.00001 and 0.00002; TOPMed 0.00001; ExAC 0.00002.
gnomAD v4.1: 8 of 1,614,174 alleles (0.0005%); highest among the groups gnomAD compares: Non-Finnish European, 0.00068%; no homozygotes.

Submissions (4):

Labcorp Genetics (formerly Invitae), Labcorp
Classification: Uncertain significance for Hereditary nonpolyposis colorectal neoplasms. Last evaluated: 2025-11-01. Review status: criteria provided, single submitter. Criteria: Invitae Variant Classification Sherloc (09022015). Collection method: clinical testing. Allele origin: germline.
Comment: This sequence change replaces lysine, which is basic and polar, with glutamic acid, which is acidic and polar, at codon 577 of the PMS2 protein (p.Lys577Glu). This variant is present in population databases (rs754339271, gnomAD 0.004%). This variant has not been reported in the literature in individuals affected with PMS2-related conditions. ClinVar contains an entry for this variant (Variation ID: 185184). Invitae Evidence Modeling incorporating data from in vitro experimental studies (internal data) indicates that this missense variant is not expected to disrupt PMS2 function with a negative predictive value of 95%. In summary, the available evidence is currently insufficient to determine the role of this variant in disease. Therefore, it has been classified as a Variant of Uncertain Significance.

Color Diagnostics, LLC DBA Color Health
Classification: Uncertain significance for Hereditary cancer-predisposing syndrome. Last evaluated: 2025-07-03. Review status: criteria provided, single submitter. Criteria: ACMG Guidelines, 2015. Collection method: clinical testing. Allele origin: germline.
Comment: This missense variant replaces lysine with glutamic acid at codon 577 of the PMS2 protein. Computational prediction suggests that this variant may not impact protein structure and function. To our knowledge, functional studies have not been reported for this variant. This variant has not been reported in individuals affected with PMS2-related disorders in the literature. This variant has been identified in 4/251360 chromosomes in the general population by the Genome Aggregation Database (gnomAD). The available evidence is insufficient to determine the role of this variant in disease conclusively. Therefore, this variant is classified as a Variant of Uncertain Significance.

Ambry Genetics
Classification: Uncertain significance for Hereditary cancer-predisposing syndrome. Last evaluated: 2025-03-02. Review status: criteria provided, single submitter. Criteria: Ambry Variant Classification Scheme 2023. Collection method: clinical testing. Allele origin: germline.
Comment: The p.K577E variant (also known as c.1729A>G), located in coding exon 11 of the PMS2 gene, results from an A to G substitution at nucleotide position 1729. The lysine at codon 577 is replaced by glutamic acid, an amino acid with similar properties. This amino acid position is well conserved in available vertebrate species. In addition, the in silico prediction for this alteration is inconclusive. Since supporting evidence is limited at this time, the clinical significance of this alteration remains unclear.

All of Us Research Program, National Institutes of Health
Classification: Uncertain significance for Lynch syndrome. Last evaluated: 2023-07-22. Review status: criteria provided, single submitter. Criteria: ACMG Guidelines, 2015. Collection method: clinical testing. Allele origin: germline. Inheritance: Autosomal dominant inheritance. Observed: 1 variant allele, 1 heterozygote.
Comment: This missense variant replaces lysine with glutamic acid at codon 577 of the PMS2 protein. Computational prediction suggests that this variant may not impact protein structure and function (internally defined REVEL score threshold <= 0.5, PMID: 27666373). To our knowledge, functional studies have not been reported for this variant. This variant has not been reported in individuals affected with PMS2-related disorders in the literature. This variant has been identified in 4/251360 chromosomes in the general population by the Genome Aggregation Database (gnomAD). The available evidence is insufficient to determine the role of this variant in disease conclusively. Therefore, this variant is classified as a Variant of Uncertain Significance.

This study involves interpretation of variants in research participants for the purpose of population health screening. Participant phenotype was not available at the time of variant classification. Additional details can be found in publication PMID: 35346344, PMCID: PMC8962531

NM_000535.7(PMS2):c.1729A>G (p.Lys577Glu)

Gene: PMS2 (PMS1 homolog 2, mismatch repair system component; minus strand). Cytogenetic location: 7p22.1.
Variant type: single nucleotide variant.
Coding change: c.1729A>G on transcript NM_000535.7 (MANE Select); coding-DNA position 1729, A replaced by G.
Protein change: p.Lys577Glu; replaces lysine 577 with glutamic acid.
Molecular consequence: missense variant. On other transcripts: non-coding transcript variant (1).
Genome position (GRCh38, 1-based): chr7:5,987,036, T>C on the plus strand (A>G on the coding strand, the complement: PMS2 is on the minus strand). VCF-style: chr7-5987036-T-C. GRCh37 (hg19) VCF-style: chr7-6026667-T-C.
Other names: c.1324A>G, p.Lys442Glu (NM_001322003.2, NM_001322004.2, NM_001322005.2 and 1 more transcripts); c.1573A>G, p.Lys525Glu (NM_001322006.2); c.1411A>G, p.Lys471Glu (NM_001322007.2, NM_001322008.2); c.1168A>G, p.Lys390Glu (NM_001322010.2); c.796A>G, p.Lys266Glu (NM_001322011.2, NM_001322012.2); c.1156A>G, p.Lys386Glu (NM_001322013.2); c.1729A>G, p.Lys577Glu (NM_001322014.2); c.1420A>G, p.Lys474Glu (NM_001322015.2); short protein forms K577E, K525E, K386E, K471E, K266E, K390E, K442E, K474E.
Identifiers: ClinVar variation 185184 (VCV000185184.21), dbSNP rs754339271, ClinGen allele CA010180.